The following is an entry in ClinVar:

ClinVar aggregate classification (germline): Pathogenic (1 of 4 stars; one submission).

Conditions:
Maturity-onset diabetes of the young (MODY). Also called: Maturity onset diabetes mellitus in young. Identifiers: Orphanet 552, MedGen C0342276, MONDO:0018911, HP:0004904.

Submission:

Ambry Genetics
Classification: Pathogenic for Maturity-onset diabetes of the young. Last evaluated: 2024-06-11. Review status: criteria provided, single submitter. Criteria: Ambry Variant Classification Scheme 2023. Collection method: clinical testing. Allele origin: germline.
Comment: The c.1014delG (p.Q338Hfs*38) alteration, located in exon 4 (coding exon 4) of the HNF1B gene, consists of a deletion of one nucleotide at position 1014, causing a translational frameshift with a predicted alternate stop codon after 38 amino acids. This alteration is expected to result in loss of function by premature protein truncation or nonsense-mediated mRNA decay. This variant was not reported in population-based cohorts in the Genome Aggregation Database (gnomAD). Based on the available evidence, this alteration is classified as pathogenic.

NM_000458.4(HNF1B):c.1014del (p.Gln338fs)

Gene: HNF1B (HNF1 homeobox B; minus strand). Cytogenetic location: 17q12.
Variant type: Deletion.
Coding change: c.1014del on transcript NM_000458.4 (MANE Select); coding-DNA position 1014, one base deleted (G; older notation c.1014delG).
Protein change: p.Gln338fs; shifts the reading frame from glutamine 338.
Molecular consequence: frameshift variant.
Genome position (GRCh38, 1-based): chr17:37,731,626, C deleted on the plus strand (G on the coding strand, the reverse complement: HNF1B is on the minus strand). VCF-style (leftmost placement, unchanged base first): chr17-37731625-GC-G. GRCh37 (hg19) VCF-style: chr17-36091616-GC-G.
Other names: c.1014del, p.Gln338fs (NM_001411100.1); c.936del, p.Gln312fs (NM_001165923.4, NM_001304286.2); short protein forms Q338fs, Q312fs.
Identifiers: ClinVar variation 3284533 (VCV003284533.1).